The following is an entry in ClinVar:

ClinVar aggregate classification (germline): Uncertain significance. Review status: criteria provided, multiple submitters, no conflicts (2 of 4 stars). 2 submissions from 2 submitters: Uncertain significance (2). Last evaluated 2024-08-06.

Conditions:
Arrhythmogenic right ventricular dysplasia 11. Also called: Arrhythmogenic right ventricular dysplasia 11 with mild palmoplantar keratoderma and woolly hair; Arrhythmogenic Right Ventricular Dysplasia/Cardiomyopathy11; ARRHYTHMOGENIC RIGHT VENTRICULAR DYSPLASIA, FAMILIAL, 11. Identifiers: MedGen C1864850, MONDO:0012506, OMIM 610476.

gnomAD v4.1: 2 of 1,614,106 alleles (0.00012%); highest among the groups gnomAD compares: African/African-American, 0.0013%; no homozygotes.

Submissions (2):

Labcorp Genetics (formerly Invitae), Labcorp
Classification: Uncertain significance for Arrhythmogenic right ventricular dysplasia 11. Last evaluated: 2024-08-06. Review status: criteria provided, single submitter. Criteria: Invitae Variant Classification Sherloc (09022015). Collection method: clinical testing. Allele origin: germline.
Comment: This sequence change replaces threonine, which is neutral and polar, with alanine, which is neutral and non-polar, at codon 459 of the DSC2 protein (p.Thr459Ala). This variant is present in population databases (rs780797095, gnomAD 0.007%). This variant has not been reported in the literature in individuals affected with DSC2-related conditions. Advanced modeling of protein sequence and biophysical properties (such as structural, functional, and spatial information, amino acid conservation, physicochemical variation, residue mobility, and thermodynamic stability) performed at Invitae indicates that this missense variant is expected to disrupt DSC2 protein function with a positive predictive value of 80%. In summary, the available evidence is currently insufficient to determine the role of this variant in disease. Therefore, it has been classified as a Variant of Uncertain Significance.

Blueprint Genetics
Classification: Uncertain significance. Last evaluated: 2024-07-09. Review status: criteria provided, single submitter. Criteria: ACMG Guidelines, 2015. Collection method: clinical testing. Allele origin: germline.

NM_024422.6(DSC2):c.1375A>G (p.Thr459Ala)

Gene: DSC2 (desmocollin 2; minus strand). Cytogenetic location: 18q12.1.
Variant type: single nucleotide variant.
Coding change: c.1375A>G on transcript NM_024422.6 (MANE Select); coding-DNA position 1375, A replaced by G.
Protein change: p.Thr459Ala; replaces threonine 459 with alanine.
Molecular consequence: missense variant.
Genome position (GRCh38, 1-based): chr18:31,080,241, T>C on the plus strand (A>G on the coding strand, the complement: DSC2 is on the minus strand). VCF-style: chr18-31080241-T-C. GRCh37 (hg19) VCF-style: chr18-28660207-T-C.
Other names: c.946A>G, p.Thr316Ala (NM_001406506.1, NM_001406507.1); c.1375A>G, p.Thr459Ala (NM_004949.5); short protein forms T316A, T459A.
Identifiers: ClinVar variation 3673038 (VCV003673038.3).